The following is an entry in ClinVar:

ClinVar aggregate classification (germline): Uncertain significance. Review status: criteria provided, multiple submitters, no conflicts (2 of 4 stars). 2 submissions from 2 submitters: Uncertain significance (2). Last evaluated 2024-06-04.

Conditions:
Emery-Dreifuss muscular dystrophy (EDMD). Also called: Scapuloperoneal syndrome, X-linked (formerly); Humeroperoneal neuromuscular disease, (formerly). Identifiers: Orphanet 261, MedGen C0410189, MONDO:0016830.

Allele frequency attached by ClinVar (database versions not stated): TOPMed 0.00001.

Submissions (2):

Labcorp Genetics (formerly Invitae), Labcorp
Classification: Uncertain significance for Emery-Dreifuss muscular dystrophy. Last evaluated: 2024-06-04. Review status: criteria provided, single submitter. Criteria: Invitae Variant Classification Sherloc (09022015). Collection method: clinical testing. Allele origin: germline.
Comment: This sequence change replaces arginine, which is basic and polar, with glutamine, which is neutral and polar, at codon 175 of the SUN2 protein (p.Arg175Gln). The frequency data for this variant in the population databases is considered unreliable, as metrics indicate poor data quality at this position in the gnomAD database. This variant has not been reported in the literature in individuals affected with SUN2-related conditions. An algorithm developed to predict the effect of missense changes on protein structure and function (PolyPhen-2) suggests that this variant is likely to be tolerated. In summary, the available evidence is currently insufficient to determine the role of this variant in disease. Therefore, it has been classified as a Variant of Uncertain Significance.

Ambry Genetics
Classification: Uncertain significance. Last evaluated: 2021-08-02. Review status: criteria provided, single submitter. Criteria: Ambry Variant Classification Scheme 2023. Collection method: clinical testing. Allele origin: germline.

NM_015374.3(SUN2):c.524G>A (p.Arg175Gln)

Gene: SUN2 (Sad1 and UNC84 domain containing 2; minus strand). Cytogenetic location: 22q13.1.
Variant type: single nucleotide variant.
Coding change: c.524G>A on transcript NM_015374.3 (MANE Select); coding-DNA position 524, G replaced by A.
Protein change: p.Arg175Gln; replaces arginine 175 with glutamine.
Molecular consequence: missense variant. On other transcripts: intron variant (1).
Genome position (GRCh38, 1-based): chr22:38,749,856, C>T on the plus strand (G>A on the coding strand, the complement: SUN2 is on the minus strand). VCF-style: chr22-38749856-C-T. GRCh37 (hg19) VCF-style: chr22-39145861-C-T.
Other names: c.524G>A, p.Arg175Gln (NM_001394431.1, NM_001394432.1, NM_001394433.1 and 9 more transcripts); c.434G>A, p.Arg145Gln (NM_001394438.1); c.386G>A, p.Arg129Gln (NM_001394439.1, NM_001394440.1, NM_001394441.1); c.587G>A, p.Arg196Gln (NM_001199579.2, NM_001394428.1); c.569G>A, p.Arg190Gln (NM_001394429.1, NM_001394430.1); c.123-1073G>A (NM_001394443.1); short protein forms R129Q, R145Q, R175Q, R190Q, R196Q.
Identifiers: ClinVar variation 3172123 (VCV003172123.3), dbSNP rs901315537, ClinGen allele CA324307856.